The following is an entry in ClinVar:

ClinVar aggregate classification (germline): Uncertain significance. Review status: criteria provided, multiple submitters, no conflicts (2 of 4 stars). 2 submissions from 2 submitters: Uncertain significance (2). Last evaluated 2022-08-23.

Conditions:
Centromeric instability of chromosomes 1,9 and 16 and immunodeficiency (ICF1). Also called: Immunodeficiency-centromeric instability-facial anomalies; IMMUNE DEFICIENCY, VARIABLE, WITH CENTROMERIC INSTABILITY OF CHROMOSOMES 1, 9, AND 16; IMMUNODEFICIENCY SYNDROME, VARIABLE; CENTROMERIC INSTABILITY, IMMUNODEFICIENCY SYNDROME. Identifiers: Orphanet 2268, MedGen C0398788, MONDO:0000133.

Allele frequency attached by ClinVar (database versions not stated): gnomAD exomes below 0.00001; ExAC 0.00001; ESP Exome Variant Server 0.00008.
gnomAD v4.1: 4 of 1,614,238 alleles (0.00025%); highest among the groups gnomAD compares: Non-Finnish European, 0.00034%; no homozygotes.

Submissions (2):

Labcorp Genetics (formerly Invitae), Labcorp
Classification: Uncertain significance for Centromeric instability of chromosomes 1,9 and 16 and immunodeficiency. Last evaluated: 2022-08-23. Review status: criteria provided, single submitter. Criteria: Invitae Variant Classification Sherloc (09022015). Collection method: clinical testing. Allele origin: germline.
Comment: This sequence change replaces glycine, which is neutral and non-polar, with aspartic acid, which is acidic and polar, at codon 587 of the DNMT3B protein (p.Gly587Asp). This variant is present in population databases (rs148312208, gnomAD 0.0009%). This variant has not been reported in the literature in individuals affected with DNMT3B-related conditions. ClinVar contains an entry for this variant (Variation ID: 1306298). Algorithms developed to predict the effect of missense changes on protein structure and function (SIFT, PolyPhen-2, Align-GVGD) all suggest that this variant is likely to be disruptive. In summary, the available evidence is currently insufficient to determine the role of this variant in disease. Therefore, it has been classified as a Variant of Uncertain Significance.

GeneDx
Classification: Uncertain significance. Last evaluated: 2019-06-24. Review status: criteria provided, single submitter. Criteria: GeneDx Variant Classification Process June 2021. Collection method: clinical testing. Allele origin: germline. Affected: yes.
Comment: Not observed at a significant frequency in large population cohorts (Lek et al., 2016); In silico analysis, which includes protein predictors and evolutionary conservation, supports a deleterious effect; Has not been previously published as pathogenic or benign to our knowledge

NM_006892.4(DNMT3B):c.1760G>A (p.Gly587Asp)

Gene: DNMT3B (DNA methyltransferase 3 beta; plus strand). Cytogenetic location: 20q11.21.
Variant type: single nucleotide variant.
Coding change: c.1760G>A on transcript NM_006892.4 (MANE Select); coding-DNA position 1760, G replaced by A.
Protein change: p.Gly587Asp; replaces glycine 587 with aspartic acid.
Molecular consequence: missense variant.
Genome position (GRCh38, 1-based): chr20:32,800,153, G>A. VCF-style: chr20-32800153-G-A. GRCh37 (hg19) VCF-style: chr20-31387959-G-A.
Other names: c.1574G>A, p.Gly525Asp (NM_001207055.2); c.1472G>A, p.Gly491Asp (NM_001207056.2); c.1700G>A, p.Gly567Asp (NM_175848.2, NM_175849.2); c.1736G>A, p.Gly579Asp (NM_175850.3); short protein forms G491D, G525D, G567D, G579D, G587D.
Identifiers: ClinVar variation 1306298 (VCV001306298.4), dbSNP rs148312208, ClinGen allele CA9810711.